The following is an entry in ClinVar:

ClinVar aggregate classification (germline): Uncertain significance. Review status: criteria provided, multiple submitters, no conflicts (2 of 4 stars). 2 submissions from 2 submitters: Uncertain significance (2). Last evaluated 2025-10-23.

Conditions:
Cardiovascular phenotype. Identifiers: MedGen CN230736.

gnomAD v4.1: 3 of 1,613,740 alleles (0.00019%); highest among the groups gnomAD compares: Non-Finnish European, 0.00025%; no homozygotes.

Submissions (2):

Ambry Genetics
Classification: Uncertain significance for Cardiovascular phenotype. Last evaluated: 2025-10-23. Review status: criteria provided, single submitter. Criteria: Ambry Variant Classification Scheme 2023. Collection method: clinical testing. Allele origin: germline.
Comment: The p.D747E variant (also known as c.2241T>A), located in coding exon 14 of the DSC2 gene, results from a T to A substitution at nucleotide position 2241. The aspartic acid at codon 747 is replaced by glutamic acid, an amino acid with highly similar properties. This amino acid position is conserved. In addition, this alteration is predicted to be tolerated by in silico analysis. Based on the available evidence, the clinical significance of this variant remains unclear.

GeneDx
Classification: Uncertain significance. Last evaluated: 2025-06-17. Review status: criteria provided, single submitter. Criteria: GeneDx Variant Classification Process June 2021. Collection method: clinical testing. Allele origin: germline. Affected: yes.
Comment: Not observed at significant frequency in large population cohorts (gnomAD); In silico analysis suggests that this missense variant does not alter protein structure/function; Has not been previously published as pathogenic or benign to our knowledge

NM_024422.6(DSC2):c.2241T>A (p.Asp747Glu)

Gene: DSC2 (desmocollin 2; minus strand). Cytogenetic location: 18q12.1.
Variant type: single nucleotide variant.
Coding change: c.2241T>A on transcript NM_024422.6 (MANE Select); coding-DNA position 2241, T replaced by A.
Protein change: p.Asp747Glu; replaces aspartic acid 747 with glutamic acid.
Molecular consequence: missense variant.
Genome position (GRCh38, 1-based): chr18:31,070,735, A>T on the plus strand (T>A on the coding strand, the complement: DSC2 is on the minus strand). VCF-style: chr18-31070735-A-T. GRCh37 (hg19) VCF-style: chr18-28650701-A-T.
Other names: c.1812T>A, p.Asp604Glu (NM_001406506.1, NM_001406507.1); c.2241T>A, p.Asp747Glu (NM_004949.5); short protein forms D747E, D604E.
Identifiers: ClinVar variation 4244904 (VCV004244904.3).